The following is an entry in ClinVar:

ClinVar aggregate classification (germline): Likely benign. Review status: criteria provided, multiple submitters, no conflicts (2 of 4 stars). 2 submissions from 2 submitters: Likely benign (2). Last evaluated 2025-03-12.

Conditions:
RAI1-related disorder. Also called: RAI1-related condition.

gnomAD v4.1: 3 of 1,613,504 alleles (0.00019%); highest among the groups gnomAD compares: Admixed American, 0.0033%; no homozygotes.

Submissions (2):

PreventionGenetics, part of Exact Sciences
Classification: Likely benign for RAI1-related condition. Last evaluated: 2025-03-12. Review status: criteria provided, single submitter. Criteria: ACMG Guidelines, 2015. Collection method: clinical testing. Allele origin: germline.
Comment: This variant is classified as likely benign based on ACMG/AMP sequence variant interpretation guidelines (Richards et al. 2015 PMID: 25741868, with internal and published modifications).

Labcorp Genetics (formerly Invitae), Labcorp
Classification: Likely benign. Last evaluated: 2024-08-08. Review status: criteria provided, single submitter. Criteria: Invitae Variant Classification Sherloc (09022015). Collection method: clinical testing. Allele origin: germline.

NM_030665.4(RAI1):c.669C>T (p.Ser223=)

Gene: RAI1 (retinoic acid induced 1; plus strand). Cytogenetic location: 17p11.2.
Variant type: single nucleotide variant.
Coding change: c.669C>T on transcript NM_030665.4 (MANE Select); coding-DNA position 669, C replaced by T.
Protein change: p.Ser223=; no amino-acid change (serine 223 retained).
Molecular consequence: synonymous variant.
Genome position (GRCh38, 1-based): chr17:17,793,617, C>T. VCF-style: chr17-17793617-C-T. GRCh37 (hg19) VCF-style: chr17-17696931-C-T.
Other names: c.669C>T (NM_030665.3).
Identifiers: ClinVar variation 3707581 (VCV003707581.3).
Genomic context (GRCh38, chr17:17,793,617, plus strand): 5'-CCCCCAGGGTACCCACTTTCCTCAGCATTCCCAGTCCTTCCCCACCTCCTCCACCTACTC[C>T]TCCTCTGTCCAGGGTGGTGGGCAGGGGGCCCACTCCTATAAGAGTTGCACAGCACCGACT-3'
Protein context (NP_109590.3, residues 213-233): SQSFPTSSTY[Ser223=]SSVQGGGQGA